The following is an entry in ClinVar:

NM_139242.4(MTFMT):c.215A>G (p.Asn72Ser)

Gene: MTFMT (mitochondrial methionyl-tRNA formyltransferase; minus strand). Cytogenetic location: 15q22.31.
Variant type: single nucleotide variant.
Coding change: c.215A>G on transcript NM_139242.4 (MANE Select); coding-DNA position 215, A replaced by G.
Protein change: p.Asn72Ser; replaces asparagine 72 with serine.
Molecular consequence: missense variant.
Genome position (GRCh38, 1-based): chr15:65,027,035, T>C on the plus strand (A>G on the coding strand, the complement: MTFMT is on the minus strand). VCF-style: chr15-65027035-T-C. GRCh37 (hg19) VCF-style: chr15-65319373-T-C.
Other names: short protein forms N72S.
Identifiers: ClinVar variation 1473648 (VCV001473648.5), dbSNP rs769644921, ClinGen allele CA7613420.

ClinVar aggregate classification (germline): Uncertain significance (1 of 4 stars; one submission).

Allele frequency attached by ClinVar (database versions not stated): ExAC 0.00002; gnomAD 0.00001; gnomAD exomes 0.00001; TOPMed 0.00001.
gnomAD v4.1: 4 of 1,612,486 alleles (0.00025%); highest among the groups gnomAD compares: Admixed American, 0.0067%; no homozygotes.

Submission:

Labcorp Genetics (formerly Invitae), Labcorp
Classification: Uncertain significance. Last evaluated: 2021-11-30. Review status: criteria provided, single submitter. Criteria: Invitae Variant Classification Sherloc (09022015). Collection method: clinical testing. Allele origin: germline.
Comment: This sequence change replaces asparagine, which is neutral and polar, with serine, which is neutral and polar, at codon 72 of the MTFMT protein (p.Asn72Ser). In summary, the available evidence is currently insufficient to determine the role of this variant in disease. Therefore, it has been classified as a Variant of Uncertain Significance. Algorithms developed to predict the effect of missense changes on protein structure and function output the following: SIFT: "Tolerated"; PolyPhen-2: "Benign"; Align-GVGD: "Class C0". The serine amino acid residue is found in multiple mammalian species, which suggests that this missense change does not adversely affect protein function. This variant has not been reported in the literature in individuals affected with MTFMT-related conditions. This variant is present in population databases (rs769644921, gnomAD 0.006%).